The following is an entry in ClinVar:

ClinVar aggregate classification (germline): Uncertain significance (1 of 4 stars; one submission).

Conditions:
Primary ciliary dyskinesia. Also called: Ciliary dyskinesia. Identifiers: Orphanet 244, MedGen C0008780, MONDO:0016575, HP:0012265.

Submission:

Labcorp Genetics (formerly Invitae), Labcorp
Classification: Uncertain significance for Primary ciliary dyskinesia. Last evaluated: 2019-04-09. Review status: criteria provided, single submitter. Criteria: Invitae Variant Classification Sherloc (09022015). Collection method: clinical testing. Allele origin: germline.
Comment: This sequence change replaces tryptophan with arginine at codon 453 of the DNAH11 protein (p.Trp453Arg). The tryptophan residue is moderately conserved and there is a moderate physicochemical difference between tryptophan and arginine. This variant is not present in population databases (ExAC no frequency). This variant has not been reported in the literature in individuals with DNAH11-related conditions. Algorithms developed to predict the effect of missense changes on protein structure and function are either unavailable or do not agree on the potential impact of this missense change (SIFT: "Deleterious"; PolyPhen-2: "Probably Damaging"; Align-GVGD: "Class C0"). In summary, the available evidence is currently insufficient to determine the role of this variant in disease. Therefore, it has been classified as a Variant of Uncertain Significance.

NM_001277115.2(DNAH11):c.1357T>C (p.Trp453Arg)

Gene: DNAH11 (dynein axonemal heavy chain 11; plus strand). Cytogenetic location: 7p15.3.
Variant type: single nucleotide variant.
Coding change: c.1357T>C on transcript NM_001277115.2 (MANE Select); coding-DNA position 1357, T replaced by C.
Protein change: p.Trp453Arg; replaces tryptophan 453 with arginine.
Molecular consequence: missense variant.
Genome position (GRCh38, 1-based): chr7:21,570,231, T>C. VCF-style: chr7-21570231-T-C. GRCh37 (hg19) VCF-style: chr7-21609849-T-C.
Other names: short protein forms W453R.
Identifiers: ClinVar variation 944343 (VCV000944343.10), dbSNP rs1783831153, ClinGen allele CA366935036.